The following is an entry in ClinVar:

ClinVar aggregate classification (germline): Uncertain significance. Review status: criteria provided, multiple submitters, no conflicts (2 of 4 stars). 2 submissions from 2 submitters: Uncertain significance (2). Last evaluated 2024-04-29.

Conditions:
Long QT syndrome (LQTS). Identifiers: MedGen C0023976, MeSH D008133, MONDO:0002442. Disease mechanism: loss of function. Inheritance: Various modes of inheritance.
Cardiovascular phenotype. Identifiers: MedGen CN230736.

Allele frequency attached by ClinVar (database versions not stated): TOPMed 0.00001; 1000 Genomes Project 30x 0.00016; 1000 Genomes Project 0.00020; gnomAD exomes 0.00001 and 0.00003; gnomAD 0.00001; ExAC 0.00002.
gnomAD v4.1: 13 of 1,614,068 alleles (0.00081%); highest among the groups gnomAD compares: East Asian, 0.016%; no homozygotes.

Submissions (2):

Labcorp Genetics (formerly Invitae), Labcorp
Classification: Uncertain significance for Long QT syndrome. Last evaluated: 2024-04-29. Review status: criteria provided, single submitter. Criteria: Invitae Variant Classification Sherloc (09022015). Collection method: clinical testing. Allele origin: germline.
Comment: This sequence change replaces glutamic acid, which is acidic and polar, with lysine, which is basic and polar, at codon 388 of the SNTA1 protein (p.Glu388Lys). This variant is present in population databases (rs570991600, gnomAD 0.02%). This variant has not been reported in the literature in individuals affected with SNTA1-related conditions. ClinVar contains an entry for this variant (Variation ID: 526934). Advanced modeling of protein sequence and biophysical properties (such as structural, functional, and spatial information, amino acid conservation, physicochemical variation, residue mobility, and thermodynamic stability) performed at Invitae indicates that this missense variant is expected to disrupt SNTA1 protein function with a positive predictive value of 80%. In summary, the available evidence is currently insufficient to determine the role of this variant in disease. Therefore, it has been classified as a Variant of Uncertain Significance.

Ambry Genetics
Classification: Uncertain significance for Cardiovascular phenotype. Last evaluated: 2019-07-24. Review status: criteria provided, single submitter. Criteria: Ambry Variant Classification Scheme 2023. Collection method: clinical testing. Allele origin: germline.
Comment: The p.E388K variant (also known as c.1162G>A), located in coding exon 6 of the SNTA1 gene, results from a G to A substitution at nucleotide position 1162. The glutamic acid at codon 388 is replaced by lysine, an amino acid with similar properties. This amino acid position is not well conserved in available vertebrate species. In addition, the in silico prediction for this alteration is inconclusive. Since supporting evidence is limited at this time, the clinical significance of this alteration remains unclear.

NM_003098.3(SNTA1):c.1162G>A (p.Glu388Lys)

Gene: SNTA1 (syntrophin alpha 1; minus strand). Cytogenetic location: 20q11.21.
Variant type: single nucleotide variant.
Coding change: c.1162G>A on transcript NM_003098.3 (MANE Select); coding-DNA position 1162, G replaced by A.
Protein change: p.Glu388Lys; replaces glutamic acid 388 with lysine.
Molecular consequence: missense variant.
Genome position (GRCh38, 1-based): chr20:33,410,210, C>T on the plus strand (G>A on the coding strand, the complement: SNTA1 is on the minus strand). VCF-style: chr20-33410210-C-T. GRCh37 (hg19) VCF-style: chr20-31998016-C-T.
Other names: short protein forms E388K.
Identifiers: ClinVar variation 526934 (VCV000526934.11), dbSNP rs570991600, ClinGen allele CA9817026.